The following is an entry in ClinVar:

ClinVar aggregate classification (germline): Uncertain significance (1 of 4 stars; one submission).

Conditions:
Hereditary cancer-predisposing syndrome. Also called: Neoplastic Syndromes, Hereditary; Tumor predisposition; Hereditary Cancer Syndrome; Hereditary neoplastic syndrome. Identifiers: Orphanet 140162, MedGen C0027672, MeSH D009386, MONDO:0015356.

Submission:

Color Diagnostics, LLC DBA Color Health
Classification: Uncertain significance for Hereditary cancer-predisposing syndrome. Last evaluated: 2022-03-29. Review status: criteria provided, single submitter. Criteria: ACMG Guidelines, 2015. Collection method: clinical testing. Allele origin: germline.
Comment: This missense variant replaces glutamic acid with glycine at codon 1302 of the BRCA1 protein. Computational prediction suggests that this variant may not impact protein structure and function (internally defined REVEL score threshold <= 0.5, PMID: 27666373). To our knowledge, functional studies have not been reported for this variant. This variant has not been reported in individuals affected with hereditary cancer in the literature. This variant has not been identified in the general population by the Genome Aggregation Database (gnomAD). The available evidence is insufficient to determine the role of this variant in disease conclusively. Therefore, this variant is classified as a Variant of Uncertain Significance.

NM_007294.4(BRCA1):c.3905A>G (p.Glu1302Gly)

Genes: BRCA1 (BRCA1 DNA repair associated; minus strand), LOC126862571 (BRD4-independent group 4 enhancer GRCh37_chr17:41243136-41244335; plus strand). Cytogenetic location: 17q21.31.
Variant type: single nucleotide variant.
Coding change: c.3905A>G on transcript NM_007294.4 (MANE Select); coding-DNA position 3905, A replaced by G.
Protein change: p.Glu1302Gly; replaces glutamic acid 1302 with glycine.
Molecular consequence: missense variant. On other transcripts: intron variant (135).
Genome position (GRCh38, 1-based): chr17:43,091,626, T>C on the plus strand (A>G on the coding strand, the complement: BRCA1 is on the minus strand). VCF-style: chr17-43091626-T-C. GRCh37 (hg19) VCF-style: chr17-41243643-T-C.
Other names: c.3695A>G, p.Glu1232Gly (NM_001407904.1, NM_001407885.1, NM_001407906.1 and 13 more transcripts); c.3692A>G, p.Glu1231Gly (NM_001407916.1, NM_001407917.1, NM_001407896.1 and 9 more transcripts); c.3905A>G, p.Glu1302Gly (NM_001407581.1, NM_001407582.1, NM_001407583.1 and 30 more transcripts); c.3902A>G, p.Glu1301Gly (NM_001407587.1, NM_001407590.1, NM_001407591.1 and 22 more transcripts); c.3896A>G, p.Glu1299Gly (NM_001407646.1, NM_001407647.1); c.3782A>G, p.Glu1261Gly (NM_001407648.1, NM_001407664.1, NM_001407665.1 and 19 more transcripts); c.3779A>G, p.Glu1260Gly (NM_001407649.1, NM_001407670.1, NM_001407671.1 and 11 more transcripts); c.3827A>G, p.Glu1276Gly (NM_001407653.1, NM_001407654.1, NM_001407655.1 and 4 more transcripts); and 41 more; short protein forms E1191G, E1231G, E1234G, E1254G, E1261G, E1299G, E1134G, E1213G.
Identifiers: ClinVar variation 2774845 (VCV002774845.2), dbSNP rs2552124848, ClinGen allele CA10594155.
Genomic context (GRCh38, chr17:43,091,626, plus strand): 5'-TTGGAAGAACCAATCAAGAAAGGATCCTGGGTGTTTGTATTTGCAGTCAAGTCTTCCAAT[T>C]CACTGCACTGTGAAGAAAACAAGCTAGCAGAACATTTTGTTTCCTCACTAAGGTGATGTT-3'
Protein context (NP_009225.1, residues 1292-1312): SASLFSSQCS[Glu1302Gly]LEDLTANTNT